The following is an entry in ClinVar:

ClinVar aggregate classification (germline): Uncertain significance (1 of 4 stars; one submission).

gnomAD v4.1: 1 of 1,614,162 alleles (0.000062%); no homozygotes.

Submission:

GeneDx
Classification: Uncertain significance. Last evaluated: 2019-10-07. Review status: criteria provided, single submitter. Criteria: GeneDx Variant Classification Process June 2021. Collection method: clinical testing. Allele origin: germline. Affected: yes.
Comment: Not observed in large population cohorts (Lek et al., 2016); In silico analysis, which includes protein predictors and evolutionary conservation, supports a deleterious effect; Has not been previously published as pathogenic or benign to our knowledge

NM_006922.4(SCN3A):c.809T>C (p.Met270Thr)

Gene: SCN3A (sodium voltage-gated channel alpha subunit 3; minus strand). Cytogenetic location: 2q24.3.
Variant type: single nucleotide variant.
Coding change: c.809T>C on transcript NM_006922.4 (MANE Select); coding-DNA position 809, T replaced by C.
Protein change: p.Met270Thr; replaces methionine 270 with threonine.
Molecular consequence: missense variant.
Genome position (GRCh38, 1-based): chr2:165,162,714, A>G on the plus strand (T>C on the coding strand, the complement: SCN3A is on the minus strand). VCF-style: chr2-165162714-A-G. GRCh37 (hg19) VCF-style: chr2-166019224-A-G.
Other names: c.809T>C, p.Met270Thr (NM_001081676.2, NM_001081677.2); short protein forms M270T.
Identifiers: ClinVar variation 1303829 (VCV001303829.2), dbSNP rs2105890332, ClinGen allele CA349239204.